The following is an entry in ClinVar:

NM_002972.4(SBF1):c.1804G>T (p.Ala602Ser)

Gene: SBF1 (SET binding factor 1; minus strand). Cytogenetic location: 22q13.33.
Variant type: single nucleotide variant.
Coding change: c.1804G>T on transcript NM_002972.4 (MANE Select); coding-DNA position 1804, G replaced by T.
Protein change: p.Ala602Ser; replaces alanine 602 with serine.
Molecular consequence: missense variant.
Genome position (GRCh38, 1-based): chr22:50,463,378, C>A on the plus strand (G>T on the coding strand, the complement: SBF1 is on the minus strand). VCF-style: chr22-50463378-C-A. GRCh37 (hg19) VCF-style: chr22-50901807-C-A.
Other names: c.1807G>T, p.Ala603Ser (NM_001365819.1); short protein forms A602S, A603S.
Identifiers: ClinVar variation 1472048 (VCV001472048.8), dbSNP rs966338815, ClinGen allele CA412215223.

ClinVar aggregate classification (germline): Uncertain significance (1 of 4 stars; one submission).

Allele frequency attached by ClinVar (database versions not stated): TOPMed below 0.00001; gnomAD 0.00001.

Submission:

Labcorp Genetics (formerly Invitae), Labcorp
Classification: Uncertain significance. Last evaluated: 2024-08-06. Review status: criteria provided, single submitter. Criteria: Invitae Variant Classification Sherloc (09022015). Collection method: clinical testing. Allele origin: germline.
Comment: This sequence change replaces alanine, which is neutral and non-polar, with serine, which is neutral and polar, at codon 602 of the SBF1 protein (p.Ala602Ser). This variant is present in population databases (no rsID available, gnomAD 0.03%). This variant has not been reported in the literature in individuals affected with SBF1-related conditions. ClinVar contains an entry for this variant (Variation ID: 1472048). Advanced modeling of protein sequence and biophysical properties (such as structural, functional, and spatial information, amino acid conservation, physicochemical variation, residue mobility, and thermodynamic stability) performed at Invitae indicates that this missense variant is not expected to disrupt SBF1 protein function with a negative predictive value of 80%. In summary, the available evidence is currently insufficient to determine the role of this variant in disease. Therefore, it has been classified as a Variant of Uncertain Significance.